The following is an entry in ClinVar:

ClinVar aggregate classification (germline): Uncertain significance (1 of 4 stars; one submission).

Allele frequency attached by ClinVar (database versions not stated): gnomAD 0.00001; TOPMed 0.00001; ESP Exome Variant Server 0.00008; 1000 Genomes Project 30x 0.00016.

Submission:

Labcorp Genetics (formerly Invitae), Labcorp
Classification: Uncertain significance. Last evaluated: 2021-07-19. Review status: criteria provided, single submitter. Criteria: Invitae Variant Classification Sherloc (09022015). Collection method: clinical testing. Allele origin: germline.
Comment: This variant has not been reported in the literature in individuals affected with NECTIN1-related conditions. This sequence change replaces arginine with histidine at codon 94 of the NECTIN1 protein (p.Arg94His). The arginine residue is moderately conserved and there is a small physicochemical difference between arginine and histidine. This variant is present in population databases (rs370390168, ExAC 0.01%). Algorithms developed to predict the effect of missense changes on protein structure and function are either unavailable or do not agree on the potential impact of this missense change (SIFT: "Deleterious"; PolyPhen-2: "Possibly Damaging"; Align-GVGD: "Class C0"). In summary, the available evidence is currently insufficient to determine the role of this variant in disease. Therefore, it has been classified as a Variant of Uncertain Significance.

NM_002855.5(NECTIN1):c.281G>A (p.Arg94His)

Gene: NECTIN1 (nectin cell adhesion molecule 1; minus strand). Cytogenetic location: 11q23.3.
Variant type: single nucleotide variant.
Coding change: c.281G>A on transcript NM_002855.5 (MANE Select); coding-DNA position 281, G replaced by A.
Protein change: p.Arg94His; replaces arginine 94 with histidine.
Molecular consequence: missense variant.
Genome position (GRCh38, 1-based): chr11:119,678,564, C>T on the plus strand (G>A on the coding strand, the complement: NECTIN1 is on the minus strand). VCF-style: chr11-119678564-C-T. GRCh37 (hg19) VCF-style: chr11-119549274-C-T.
Other names: c.281G>A, p.Arg94His (NM_203285.2, NM_203286.2); short protein forms R94H.
Identifiers: ClinVar variation 1495954 (VCV001495954.8), dbSNP rs370390168, ClinGen allele CA6322137.
Genomic context (GRCh38, chr11:119,678,564, plus strand): 5'-AGGCGGGAGAGGCGGATAGTGCCATCGGTGAAGGAGGGCCGCAGGAATTCCACACGCTCG[C>T]GGTAGGGAGCCAGCACGGACACGCCCATGGATGGGTTGTAGATGGCCACGTTCTGCTTGG-3'
Protein context (NP_002846.3, residues 84-104): SMGVSVLAPY[Arg94His]ERVEFLRPSF